The following is an entry in ClinVar:

NM_052947.4(ALPK2):c.5804G>A (p.Arg1935His)

Gene: ALPK2 (alpha kinase 2; minus strand). Cytogenetic location: 18q21.31.
Variant type: single nucleotide variant.
Coding change: c.5804G>A on transcript NM_052947.4 (MANE Select); coding-DNA position 5804, G replaced by A.
Protein change: p.Arg1935His; replaces arginine 1935 with histidine.
Molecular consequence: missense variant.
Genome position (GRCh38, 1-based): chr18:58,517,044, C>T on the plus strand (G>A on the coding strand, the complement: ALPK2 is on the minus strand). VCF-style: chr18-58517044-C-T. GRCh37 (hg19) VCF-style: chr18-56184276-C-T.
Other names: short protein forms R1935H.
Identifiers: ClinVar variation 1749802 (VCV001749802.2), dbSNP rs753524863, ClinGen allele CA8976351.

ClinVar aggregate classification (germline): Uncertain significance (1 of 4 stars; one submission).

Allele frequency attached by ClinVar (database versions not stated): ExAC 0.00001; TOPMed 0.00001.
gnomAD v4.1: 22 of 1,614,240 alleles (0.0014%); highest among the groups gnomAD compares: South Asian, 0.0033%; no homozygotes.

Submission:

Ambry Genetics
Classification: Uncertain significance. Last evaluated: 2024-02-01. Review status: criteria provided, single submitter. Criteria: Ambry Variant Classification Scheme 2023. Collection method: clinical testing. Allele origin: germline.
Comment: The p.R1935H variant (also known as c.5804G>A), located in coding exon 8 of the ALPK2 gene, results from a G to A substitution at nucleotide position 5804. The arginine at codon 1935 is replaced by histidine, an amino acid with highly similar properties. This amino acid position is conserved. In addition, this alteration is predicted to be tolerated by in silico analysis. Since supporting evidence is limited at this time, the clinical significance of this alteration remains unclear.